The following is an entry in ClinVar:

NM_014444.5(TUBGCP4):c.976G>C (p.Glu326Gln)

Gene: TUBGCP4 (tubulin gamma complex component 4; plus strand). Cytogenetic location: 15q15.3.
Variant type: single nucleotide variant.
Coding change: c.976G>C on transcript NM_014444.5 (MANE Select); coding-DNA position 976, G replaced by C.
Protein change: p.Glu326Gln; replaces glutamic acid 326 with glutamine.
Molecular consequence: missense variant.
Genome position (GRCh38, 1-based): chr15:43,386,292, G>C. VCF-style: chr15-43386292-G-C. GRCh37 (hg19) VCF-style: chr15-43678490-G-C.
Other names: c.976G>C, p.Glu326Gln (NM_001286414.3); short protein forms E326Q.
Identifiers: ClinVar variation 2122240 (VCV002122240.4), dbSNP rs2044357978, ClinGen allele CA392123508.

ClinVar aggregate classification (germline): Uncertain significance (1 of 4 stars; one submission).

Submission:

Labcorp Genetics (formerly Invitae), Labcorp
Classification: Uncertain significance. Last evaluated: 2023-11-06. Review status: criteria provided, single submitter. Criteria: Invitae Variant Classification Sherloc (09022015). Collection method: clinical testing. Allele origin: germline.
Comment: This sequence change replaces glutamic acid, which is acidic and polar, with glutamine, which is neutral and polar, at codon 326 of the TUBGCP4 protein (p.Glu326Gln). This variant is not present in population databases (gnomAD no frequency). This variant has not been reported in the literature in individuals affected with TUBGCP4-related conditions. ClinVar contains an entry for this variant (Variation ID: 2122240). Advanced modeling of protein sequence and biophysical properties (such as structural, functional, and spatial information, amino acid conservation, physicochemical variation, residue mobility, and thermodynamic stability) performed at Invitae indicates that this missense variant is not expected to disrupt TUBGCP4 protein function with a negative predictive value of 80%. In summary, the available evidence is currently insufficient to determine the role of this variant in disease. Therefore, it has been classified as a Variant of Uncertain Significance.